The following is an entry in ClinVar:

NM_000321.3(RB1):c.1753C>A (p.His585Asn)

Gene: RB1 (RB transcriptional corepressor 1; plus strand). Cytogenetic location: 13q14.2.
Variant type: single nucleotide variant.
Coding change: c.1753C>A on transcript NM_000321.3 (MANE Select); coding-DNA position 1753, C replaced by A.
Protein change: p.His585Asn; replaces histidine 585 with asparagine.
Molecular consequence: missense variant.
Genome position (GRCh38, 1-based): chr13:48,453,050, C>A. VCF-style: chr13-48453050-C-A. GRCh37 (hg19) VCF-style: chr13-49027186-C-A.
Other names: c.1753C>A, p.His585Asn (NM_001407165.1); short protein forms H585N.
Identifiers: ClinVar variation 1714608 (VCV001714608.5), dbSNP rs1401332173, ClinGen allele CA388165539.

ClinVar aggregate classification (germline): Uncertain significance (1 of 4 stars; one submission).

Conditions:
Retinoblastoma (RB1). Also called: RETINOBLASTOMA, SOMATIC. Identifiers: Orphanet 790, MedGen C0035335, MeSH D012175, MONDO:0008380, OMIM 180200, HP:0009919. Disease mechanism: loss of function. Inheritance: Both sporadic and heritable forms are tested..

Submission:

Labcorp Genetics (formerly Invitae), Labcorp
Classification: Uncertain significance for Retinoblastoma. Last evaluated: 2024-01-19. Review status: criteria provided, single submitter. Criteria: Invitae Variant Classification Sherloc (09022015). Collection method: clinical testing. Allele origin: germline.
Comment: This sequence change replaces histidine, which is basic and polar, with asparagine, which is neutral and polar, at codon 585 of the RB1 protein (p.His585Asn). This variant is not present in population databases (gnomAD no frequency). This variant has not been reported in the literature in individuals affected with RB1-related conditions. ClinVar contains an entry for this variant (Variation ID: 1714608). Advanced modeling of protein sequence and biophysical properties (such as structural, functional, and spatial information, amino acid conservation, physicochemical variation, residue mobility, and thermodynamic stability) performed at Invitae indicates that this missense variant is not expected to disrupt RB1 protein function with a negative predictive value of 80%. In summary, the available evidence is currently insufficient to determine the role of this variant in disease. Therefore, it has been classified as a Variant of Uncertain Significance.